The following is an entry in ClinVar:

NM_001365480.1(CCDC88A):c.4727C>T (p.Thr1576Met)

Gene: CCDC88A (coiled-coil domain containing 88A; minus strand). Cytogenetic location: 2p16.1.
Variant type: single nucleotide variant.
Coding change: c.4727C>T on transcript NM_001365480.1 (MANE Select); coding-DNA position 4727, C replaced by T.
Protein change: p.Thr1576Met; replaces threonine 1576 with methionine.
Molecular consequence: missense variant.
Genome position (GRCh38, 1-based): chr2:55,301,223, G>A on the plus strand (C>T on the coding strand, the complement: CCDC88A is on the minus strand). VCF-style: chr2-55301223-G-A. GRCh37 (hg19) VCF-style: chr2-55528359-G-A.
Other names: c.4724C>T, p.Thr1575Met (NM_001135597.2, NM_001254943.2); c.4643C>T, p.Thr1548Met (NM_018084.5); short protein forms T1575M, T1548M, T1576M.
Identifiers: ClinVar variation 1384941 (VCV001384941.6), dbSNP rs201398037, ClinGen allele CA1665503.

ClinVar aggregate classification (germline): Uncertain significance (1 of 4 stars; one submission).

Allele frequency attached by ClinVar (database versions not stated): gnomAD 0.00001; gnomAD exomes 0.00001; TOPMed 0.00001; ExAC 0.00002; ESP Exome Variant Server 0.00008.
gnomAD v4.1: 9 of 1,591,276 alleles (0.00057%); highest among the groups gnomAD compares: African/African-American, 0.0027%; no homozygotes.

Submission:

Labcorp Genetics (formerly Invitae), Labcorp
Classification: Uncertain significance. Last evaluated: 2022-11-08. Review status: criteria provided, single submitter. Criteria: Invitae Variant Classification Sherloc (09022015). Collection method: clinical testing. Allele origin: germline.
Comment: This variant has not been reported in the literature in individuals affected with CCDC88A-related conditions. In summary, the available evidence is currently insufficient to determine the role of this variant in disease. Therefore, it has been classified as a Variant of Uncertain Significance. Algorithms developed to predict the effect of missense changes on protein structure and function are either unavailable or do not agree on the potential impact of this missense change (SIFT: "Deleterious"; PolyPhen-2: "Benign"; Align-GVGD: "Class C0"). ClinVar contains an entry for this variant (Variation ID: 1384941). The frequency data for this variant in the population databases is considered unreliable, as metrics indicate poor data quality at this position in the gnomAD database. This sequence change replaces threonine, which is neutral and polar, with methionine, which is neutral and non-polar, at codon 1575 of the CCDC88A protein (p.Thr1575Met).